The following is an entry in ClinVar:

ClinVar aggregate classification (germline): Uncertain significance. Review status: criteria provided, multiple submitters, no conflicts (2 of 4 stars). 2 submissions from 2 submitters: Uncertain significance (2). Last evaluated 2024-08-05.

gnomAD v4.1: 16 of 1,549,276 alleles (0.001%); highest among the groups gnomAD compares: Non-Finnish European, 0.0014%; no homozygotes.

Submissions (2):

Ambry Genetics
Classification: Uncertain significance. Last evaluated: 2024-08-05. Review status: criteria provided, single submitter. Criteria: Ambry Variant Classification Scheme 2023. Collection method: clinical testing. Allele origin: germline.

GeneDx
Classification: Uncertain significance. Last evaluated: 2024-01-12. Review status: criteria provided, single submitter. Criteria: GeneDx Variant Classification Process June 2021. Collection method: clinical testing. Allele origin: germline. Affected: yes.
Comment: Not observed at significant frequency in large population cohorts (gnomAD); In silico analysis supports that this missense variant has a deleterious effect on protein structure/function; Has not been previously published as pathogenic or benign to our knowledge

NM_001367479.1(DNAH14):c.7981C>T (p.Leu2661Phe)

Gene: DNAH14 (dynein axonemal heavy chain 14; plus strand). Cytogenetic location: 1q42.12.
Variant type: single nucleotide variant.
Coding change: c.7981C>T on transcript NM_001367479.1 (MANE Select); coding-DNA position 7981, C replaced by T.
Protein change: p.Leu2661Phe; replaces leucine 2661 with phenylalanine.
Molecular consequence: missense variant.
Genome position (GRCh38, 1-based): chr1:225,273,096, C>T. VCF-style: chr1-225273096-C-T. GRCh37 (hg19) VCF-style: chr1-225460798-C-T.
Other names: NM_001373.1:c.7963C>T; short protein forms L2661F.
Identifiers: ClinVar variation 3367782 (VCV003367782.2).